The following is an entry in ClinVar:

NM_004415.4(DSP):c.4237A>G (p.Lys1413Glu)

Gene: DSP (desmoplakin; plus strand). Cytogenetic location: 6p24.3.
Variant type: single nucleotide variant.
Coding change: c.4237A>G on transcript NM_004415.4 (MANE Select); coding-DNA position 4237, A replaced by G.
Protein change: p.Lys1413Glu; replaces lysine 1413 with glutamic acid.
Molecular consequence: missense variant. On other transcripts: intron variant (2).
Genome position (GRCh38, 1-based): chr6:7,580,427, A>G. VCF-style: chr6-7580427-A-G. GRCh37 (hg19) VCF-style: chr6-7580660-A-G.
Other names: c.4050+187A>G (NM_001319034.2); c.3582+655A>G (NM_001008844.3); short protein forms K1413E.
Identifiers: ClinVar variation 3073975 (VCV003073975.1), dbSNP rs2533927918, ClinGen allele CA362685858.

ClinVar aggregate classification (germline): Uncertain significance (1 of 4 stars; one submission).

Conditions:
Arrhythmogenic cardiomyopathy with wooly hair and keratoderma. Also called: PALMOPLANTAR KERATODERMA WITH LEFT VENTRICULAR CARDIOMYOPATHY AND WOOLLY HAIR; Carvajal syndrome; Dilated cardiomyopathy with woolly hair and keratoderma; Arrhythmogenic cardiomyopathy with woolly hair and keratoderma. Identifiers: Orphanet 65282, MedGen C1854063, MONDO:0011581, OMIM 605676.

Submission:

All of Us Research Program, National Institutes of Health
Classification: Uncertain significance for Arrhythmogenic cardiomyopathy with wooly hair and keratoderma. Last evaluated: 2023-11-30. Review status: criteria provided, single submitter. Criteria: ACMG Guidelines, 2015. Collection method: clinical testing. Allele origin: germline. Inheritance: Autosomal dominant inheritance. Observed: 1 variant allele, 1 heterozygote.
Comment: This study involves interpretation of variants in research participants for the purpose of population health screening. Participant phenotype was not available at the time of variant classification. Additional details can be found in publication PMID: 35346344, PMCID: PMC8962531